The following is an entry in ClinVar:

NM_000322.5(PRPH2):c.*1357C>T

Gene: PRPH2 (peripherin 2; minus strand). Cytogenetic location: 6p21.1.
Variant type: single nucleotide variant.
Coding change: c.*1357C>T on transcript NM_000322.5 (MANE Select); 1357 bases downstream of the stop codon, C replaced by T.
Molecular consequence: 3 prime UTR variant.
Genome position (GRCh38, 1-based): chr6:42,696,938, G>A on the plus strand (C>T on the coding strand, the complement: PRPH2 is on the minus strand). VCF-style: chr6-42696938-G-A. GRCh37 (hg19) VCF-style: chr6-42664676-G-A.
Identifiers: ClinVar variation 356750 (VCV000356750.6), dbSNP rs405059, ClinGen allele CA10626754.
Genomic context (GRCh38, chr6:42,696,938, plus strand): 5'-AACATACCCCAGCAGCACCAGAAGTCTTATTTTCTCTACACTGAAGTTCTTAGGACAGCA[G>A]AGAACCCAAACTCAGTCCAAAGTAACCTATTCCCAAACACCATCGGTCAGAAGCAGAGGT-3'

ClinVar aggregate classification (germline): Benign. Review status: criteria provided, multiple submitters, no conflicts (2 of 4 stars). 7 submissions from 2 submitters: Benign (7). Last evaluated 2021-05-14.

Conditions:
Retinitis pigmentosa (RP). Identifiers: Orphanet 791, MedGen C0035334, MeSH D012174, MONDO:0019200, OMIM 268000. Inheritance: Autosomal dominant, autosomal recessive and X linked inheritance.
Choroidal dystrophy, central areolar 2 (CACD2). Also called: MACULAR DYSTROPHY, PROGRESSIVE; Choriodal Dystrophy, Central Areolar 2. Identifiers: Orphanet 75377, MedGen C2751290, MONDO:0013137, OMIM 613105.
Pigmentary retinal dystrophy. Also called: Fundus albipunctatus. Identifiers: Orphanet 227796, Orphanet 52427, MedGen C0311338, MONDO:0007639, OMIM 136880, HP:0030642.
Cone-rod dystrophy. Also called: Cone/cone-rod dystrophy; Cone-rod degeneration. Identifiers: Orphanet 1872, MedGen C4085590, MONDO:0015993, HP:0000548.
Patterned macular dystrophy 1. Also called: BUTTERFLY DYSTROPHY OF RETINAL PIGMENT EPITHELIUM; MACULAR DYSTROPHY, BUTTERFLY-SHAPED PIGMENTARY. Identifiers: Orphanet 99001, MedGen C4551999, MONDO:0008210, OMIM 169150.
Adult-onset foveomacular vitelliform dystrophy. Also called: FOVEOMACULAR DYSTROPHY, ADULT-ONSET; FOVEOMACULAR DYSTROPHY, ADULT-ONSET, WITH OR WITHOUT CHOROIDAL NEOVASCULARIZATION; Adult onset vitelliform dystrophy. Identifiers: Orphanet 99000, MedGen C1842914, MONDO:0011979.

Allele frequency attached by ClinVar (database versions not stated): 1000 Genomes Project 30x 0.75156; 1000 Genomes Project 0.75439; TOPMed 0.76449; gnomAD 0.77141 and 0.77171; gnomAD exomes 0.77273.
gnomAD v4.1: 117,334 of 151,946 alleles (77%); highest among the groups gnomAD compares: East Asian, 86%; 45,449 homozygotes.

Submissions (7):

GeneDx
Classification: Benign. Last evaluated: 2021-05-14. Review status: criteria provided, single submitter. Criteria: GeneDx Variant Classification Process June 2021. Collection method: clinical testing. Allele origin: germline. Affected: yes.

Illumina Laboratory Services, Illumina
Classification: Benign for Choroidal dystrophy, central areolar 2. Last evaluated: 2018-01-12. Review status: criteria provided, single submitter. Criteria: ICSL Variant Classification Criteria 13 December 2019. Collection method: clinical testing. Allele origin: germline.
Comment: This variant was observed in the ICSL laboratory as part of a predisposition screen in an ostensibly healthy population. It had not been previously curated by ICSL or reported in the Human Gene Mutation Database (HGMD: prior to June 1st, 2018), and was therefore a candidate for classification through an automated scoring system. Utilizing variant allele frequency, disease prevalence and penetrance estimates, and inheritance mode, an automated score was calculated to assess if this variant is too frequent to cause the disease. Based on the score and internal cut-off values, a variant classified as benign is not then subjected to further curation. The score for this variant resulted in a classification of benign for this disease.

Illumina Laboratory Services, Illumina
Classification: Benign for Cone-rod dystrophy. Last evaluated: 2018-01-12. Review status: criteria provided, single submitter. Criteria: ICSL Variant Classification Criteria 13 December 2019. Collection method: clinical testing. Allele origin: germline.
Comment: the same text as in the submission from Illumina Laboratory Services, Illumina above.

Illumina Laboratory Services, Illumina
Classification: Benign for Retinitis pigmentosa. Last evaluated: 2018-01-12. Review status: criteria provided, single submitter. Criteria: ICSL Variant Classification Criteria 13 December 2019. Collection method: clinical testing. Allele origin: germline.
Comment: the same text as in the submission from Illumina Laboratory Services, Illumina above.

Illumina Laboratory Services, Illumina
Classification: Benign for Pigmentary retinal dystrophy. Last evaluated: 2018-01-12. Review status: criteria provided, single submitter. Criteria: ICSL Variant Classification Criteria 13 December 2019. Collection method: clinical testing. Allele origin: germline.
Comment: the same text as in the submission from Illumina Laboratory Services, Illumina above.

Illumina Laboratory Services, Illumina
Classification: Benign for Patterned macular dystrophy 1. Last evaluated: 2018-01-12. Review status: criteria provided, single submitter. Criteria: ICSL Variant Classification Criteria 13 December 2019. Collection method: clinical testing. Allele origin: germline.
Comment: the same text as in the submission from Illumina Laboratory Services, Illumina above.

Illumina Laboratory Services, Illumina
Classification: Benign for Vitelliform macular dystrophy 3. Last evaluated: 2018-01-12. Review status: criteria provided, single submitter. Criteria: ICSL Variant Classification Criteria 13 December 2019. Collection method: clinical testing. Allele origin: germline.
Comment: the same text as in the submission from Illumina Laboratory Services, Illumina above.